The following is an entry in ClinVar:

ClinVar aggregate classification (germline): Conflicting classifications of pathogenicity. Review status: criteria provided, conflicting classifications (1 of 4 stars). 5 submissions from 5 submitters: Uncertain significance (4); Likely benign (1). Last evaluated 2025-12-13.

Conditions:
Hereditary spastic paraplegia 7 (SPG7). Also called: Spastic paraplegia 7; Hereditary spastic paraplegia Paraplegin type; Autosomal recessive spastic paraplegia type 7; SPASTIC PARAPLEGIA 7, AUTOSOMAL RECESSIVE, WITH OR WITHOUT CEREBELLAR ATAXIA; SPG7-related neurologic disorder. Identifiers: Orphanet 99013, MedGen C1846564, MONDO:0011803, OMIM 607259.

Allele frequency attached by ClinVar (database versions not stated): gnomAD 0.00004 and 0.00009; gnomAD exomes 0.00007 and 0.00031; TOPMed 0.00020; ExAC 0.00029; 1000 Genomes Project 30x 0.00094; 1000 Genomes Project 0.00120.
gnomAD v4.1: 127 of 1,614,200 alleles (0.0079%); highest among the groups gnomAD compares: East Asian, 0.23%; no homozygotes.

Submissions (5):

Labcorp Genetics (formerly Invitae), Labcorp
Classification: Likely benign for Hereditary spastic paraplegia 7. Last evaluated: 2025-12-13. Review status: criteria provided, single submitter. Criteria: Invitae Variant Classification Sherloc (09022015). Collection method: clinical testing. Allele origin: germline.

Blueprint Genetics
Classification: Uncertain significance. Last evaluated: 2024-06-28. Review status: criteria provided, single submitter. Criteria: ACMG Guidelines, 2015. Collection method: clinical testing. Allele origin: germline.

MGZ Medical Genetics Center
Classification: Uncertain significance for Hereditary spastic paraplegia 7. Last evaluated: 2022-05-05. Review status: criteria provided, single submitter. Criteria: ACMG Guidelines, 2015. Collection method: clinical testing. Allele origin: germline. Affected: yes. Observed: 1 variant allele.
Comment: ACMG criteria applied: PM2_SUP, BP4

Illumina Laboratory Services, Illumina
Classification: Uncertain significance for Hereditary spastic paraplegia 7. Last evaluated: 2018-01-13. Review status: criteria provided, single submitter. Criteria: ICSL Variant Classification Criteria 13 December 2019. Collection method: clinical testing. Allele origin: germline.

Juno Genomics, Hangzhou Juno Genomics, Inc
Classification: Uncertain significance for Hereditary spastic paraplegia 7. Review status: criteria provided, single submitter. Criteria: ACMG Guidelines, 2015. Collection method: clinical testing. Allele origin: germline.
Comment: Absent from controls (or at extremely low frequency if recessive) in Genome Aggregation Database.

NM_003119.4(SPG7):c.656T>C (p.Ile219Thr)

Gene: SPG7 (SPG7 matrix AAA peptidase subunit, paraplegin; plus strand). Cytogenetic location: 16q24.3.
Variant type: single nucleotide variant.
Coding change: c.656T>C on transcript NM_003119.4 (MANE Select); coding-DNA position 656, T replaced by C.
Protein change: p.Ile219Thr; replaces isoleucine 219 with threonine.
Molecular consequence: missense variant.
Genome position (GRCh38, 1-based): chr16:89,526,366, T>C. VCF-style: chr16-89526366-T-C. GRCh37 (hg19) VCF-style: chr16-89592774-T-C.
Other names: c.656T>C, p.Ile219Thr (NM_001363850.1, NM_199367.3); short protein forms I219T.
Identifiers: ClinVar variation 219638 (VCV000219638.19), dbSNP rs114255772, ClinGen allele CA349347.
Genomic context (GRCh38, chr16:89,526,366, plus strand): 5'-CCCCTCTCCTTTCTGCCCCCCAGCGGCTAGCCTTGATGTACCGAATGCAGGTTGCAAATA[T>C]TGACAAGTTTGAAGAGAAGCTTCGAGCAGCTGAAGATGAGCTGAATATCGAGGCCAAGGA-3'
Protein context (NP_003110.1, residues 209-229): ALMYRMQVAN[Ile219Thr]DKFEEKLRAA